The following is an entry in ClinVar:

ClinVar aggregate classification (germline): Uncertain significance. Review status: criteria provided, multiple submitters, no conflicts (2 of 4 stars). 3 submissions from 3 submitters: Uncertain significance (3). Last evaluated 2026-03-07.

Conditions:
Inborn genetic diseases. Identifiers: MedGen C0950123, MeSH D030342.
Glucose-6-phosphate transport defect (GSD1B). Also called: Glycogen Storage Disease Type Ib; GSD Ib. Identifiers: Orphanet 364, Orphanet 79259, MedGen C0268146, MONDO:0009288, OMIM 232220.

Allele frequency attached by ClinVar (database versions not stated): gnomAD exomes below 0.00001.

Submissions (3):

GeneDx
Classification: Uncertain significance. Last evaluated: 2026-03-07. Review status: criteria provided, single submitter. Criteria: GeneDx Variant Classification Process June 2021. Collection method: clinical testing. Allele origin: germline.
Comment: Reported with a second SLC37A4 variant on the opposite allele (in trans) in unrelated patients with GSD1B in published literature (PMID: 40009380); Not observed at significant frequency in large population cohorts (gnomAD); In silico analysis supports that this missense variant has a deleterious effect on protein structure/function; In silico analysis suggests this variant may impact gene splicing. In the absence of RNA/functional studies, the actual effect of this sequence change is unknown.; This variant is associated with the following publications: (PMID: 40009380)

Ambry Genetics
Classification: Uncertain significance for Inborn genetic diseases. Last evaluated: 2024-10-27. Review status: criteria provided, single submitter. Criteria: Ambry Variant Classification Scheme 2023. Collection method: clinical testing. Allele origin: germline.
Comment: The p.K64R variant (also known as c.191A>G), located in coding exon 2 of the SLC37A4 gene, results from an A to G substitution at nucleotide position 191. The lysine at codon 64 is replaced by arginine, an amino acid with highly similar properties. This amino acid position is conserved. In addition, this alteration is predicted to be deleterious by in silico analysis. Based on the available evidence, the clinical significance of this variant remains unclear.

Labcorp Genetics (formerly Invitae), Labcorp
Classification: Uncertain significance for Glucose-6-phosphate transport defect. Last evaluated: 2022-12-22. Review status: criteria provided, single submitter. Criteria: Invitae Variant Classification Sherloc (09022015). Collection method: clinical testing. Allele origin: germline.
Comment: This variant is not present in population databases (gnomAD no frequency). This sequence change replaces lysine, which is basic and polar, with arginine, which is basic and polar, at codon 64 of the SLC37A4 protein (p.Lys64Arg). This variant has not been reported in the literature in individuals affected with SLC37A4-related conditions. In summary, the available evidence is currently insufficient to determine the role of this variant in disease. Therefore, it has been classified as a Variant of Uncertain Significance. Algorithms developed to predict the effect of sequence changes on RNA splicing suggest that this variant may create or strengthen a splice site. Advanced modeling of protein sequence and biophysical properties (such as structural, functional, and spatial information, amino acid conservation, physicochemical variation, residue mobility, and thermodynamic stability) has been performed at Invitae for this missense variant, however the output from this modeling did not meet the statistical confidence thresholds required to predict the impact of this variant on SLC37A4 protein function.

NM_001164277.2(SLC37A4):c.191A>G (p.Lys64Arg)

Gene: SLC37A4 (solute carrier family 37 member 4; minus strand). Cytogenetic location: 11q23.3.
Variant type: single nucleotide variant.
Coding change: c.191A>G on transcript NM_001164277.2 (MANE Select); coding-DNA position 191, A replaced by G.
Protein change: p.Lys64Arg; replaces lysine 64 with arginine.
Molecular consequence: missense variant. On other transcripts: 5 prime UTR variant (1).
Genome position (GRCh38, 1-based): chr11:119,028,384, T>C on the plus strand (A>G on the coding strand, the complement: SLC37A4 is on the minus strand). VCF-style: chr11-119028384-T-C. GRCh37 (hg19) VCF-style: chr11-118899094-T-C.
Other names: c.191A>G, p.Lys64Arg (NM_001164278.2, NM_001164280.2, NM_001467.6); c.-29A>G (NM_001164279.2); c.191A>G (NM_001467.5); short protein forms K64R.
Identifiers: ClinVar variation 2873785 (VCV002873785.5), dbSNP rs2497033394, ClinGen allele CA382906235.
Genomic context (GRCh38, chr11:119,028,384, plus strand): 5'-AGCCCAGAAGAGAAGAGCCAGCGAGCACTCATCTGGTCAGACAGCACCCCACTGACAAAC[T>C]TGCTGATAGCATAAGCTGCCGACTGGCTGCTGGTGATGAACCCTGCAGGGAACATTACAC-3'
Protein context (NP_001157749.1, residues 54-74): SSQSAAYAIS[Lys64Arg]FVSGVLSDQM